The following is an entry in ClinVar:

NM_173076.3(ABCA12):c.3470C>T (p.Ser1157Leu)

Gene: ABCA12 (ATP binding cassette subfamily A member 12; minus strand). Cytogenetic location: 2q35.
Variant type: single nucleotide variant.
Coding change: c.3470C>T on transcript NM_173076.3 (MANE Select); coding-DNA position 3470, C replaced by T.
Protein change: p.Ser1157Leu; replaces serine 1157 with leucine.
Molecular consequence: missense variant. On other transcripts: non-coding transcript variant (1).
Genome position (GRCh38, 1-based): chr2:214,990,856, G>A on the plus strand (C>T on the coding strand, the complement: ABCA12 is on the minus strand). VCF-style: chr2-214990856-G-A. GRCh37 (hg19) VCF-style: chr2-215855580-G-A.
Other names: c.2516C>T, p.Ser839Leu (NM_015657.4); short protein forms S1157L, S839L.
Identifiers: ClinVar variation 2734378 (VCV002734378.4), dbSNP rs780940154, ClinGen allele CA2091728.
Genomic context (GRCh38, chr2:214,990,856, plus strand): 5'-AGAGCTGCAATGTTGGTGTTGTTGAAGAAGACACTGATAAGATAGCTCATGGCAATAACC[G>A]AGAAGCTGTAGTCCGAAAAATACAGGAACAAAATGAACCCATTTGTTTTAGGAAGAATAT-3'
Protein context (NP_775099.2, residues 1147-1167): LFLYFSDYSF[Ser1157Leu]VIAMSYLISV

ClinVar aggregate classification (germline): Pathogenic/Likely pathogenic. Review status: criteria provided, multiple submitters, no conflicts (2 of 4 stars). 2 submissions from 2 submitters: Pathogenic (1); Likely pathogenic (1). Last evaluated 2025-02-24.

Conditions:
Lamellar ichthyosis. Identifiers: Orphanet 313, MedGen C5848247, MONDO:0017778.

Allele frequency attached by ClinVar (database versions not stated): ExAC 0.00001; gnomAD 0.00001; TOPMed 0.00001; gnomAD exomes 0.00002.
gnomAD v4.1: 34 of 1,613,948 alleles (0.0021%); highest among the groups gnomAD compares: Non-Finnish European, 0.0018%; no homozygotes.

Submissions (2):

Women's Health and Genetics/Laboratory Corporation of America, LabCorp
Classification: Pathogenic for Lamellar ichthyosis. Last evaluated: 2025-02-24. Review status: criteria provided, single submitter. Criteria: LabCorp Variant Classification Summary - May 2015. Collection method: clinical testing. Allele origin: germline.
Comment: Variant summary: ABCA12 c.3470C>T (p.Ser1157Leu) results in a non-conservative amino acid change in the encoded protein sequence. Five of five in-silico tools predict a damaging effect of the variant on protein function. The variant allele was found at a frequency of 1.6e-05 in 251408 control chromosomes. c.3470C>T has been reported in the literature in multiple individuals affected with Lamellar Ichthyosis (examples: Hotz_2023). These data indicate that the variant is very likely to be associated with disease. The following publications have been ascertained in the context of this evaluation (PMID: 36980989, 25766764, 30578701, 27061915). ClinVar contains an entry for this variant (Variation ID: 2734378). Based on the evidence outlined above, the variant was classified as pathogenic.

Labcorp Genetics (formerly Invitae), Labcorp
Classification: Likely pathogenic. Last evaluated: 2023-10-26. Review status: criteria provided, single submitter. Criteria: Invitae Variant Classification Sherloc (09022015). Collection method: clinical testing. Allele origin: germline.
Comment: This sequence change replaces serine, which is neutral and polar, with leucine, which is neutral and non-polar, at codon 1157 of the ABCA12 protein (p.Ser1157Leu). This variant is present in population databases (rs780940154, gnomAD 0.01%). This missense change has been observed in individuals with autosomal recessive congenital ichthyosis (PMID: 25766764, 27061915, 36980989). This variant is also known as p.Ser1157Ile. Advanced modeling of protein sequence and biophysical properties (such as structural, functional, and spatial information, amino acid conservation, physicochemical variation, residue mobility, and thermodynamic stability) performed at Invitae indicates that this missense variant is expected to disrupt ABCA12 protein function with a positive predictive value of 80%. In summary, the currently available evidence indicates that the variant is pathogenic, but additional data are needed to prove that conclusively. Therefore, this variant has been classified as Likely Pathogenic.

Literature cited by the submitters: PubMed 30578701 (cited by Women's Health and Genetics/Laboratory Corporation of America, LabCorp); PubMed 25766764 (cited by Women's Health and Genetics/Laboratory Corporation of America, LabCorp and Labcorp Genetics (formerly Invitae), Labcorp); PubMed 36980989 (cited by Women's Health and Genetics/Laboratory Corporation of America, LabCorp and Labcorp Genetics (formerly Invitae), Labcorp); PubMed 27061915 (cited by Women's Health and Genetics/Laboratory Corporation of America, LabCorp and Labcorp Genetics (formerly Invitae), Labcorp).